The following is an entry in ClinVar:

ClinVar aggregate classification (germline): Uncertain significance (1 of 4 stars; one submission).

Conditions:
Familial sleep-related hypermotor epilepsy. Also called: Autosomal Dominant Sleep-Related Hypermotor (Hyperkinetic) Epilepsy. Identifiers: Orphanet 98784, MedGen C3696898, MONDO:0000030.

Allele frequency attached by ClinVar (database versions not stated): TOPMed below 0.00001.

Submission:

Labcorp Genetics (formerly Invitae), Labcorp
Classification: Uncertain significance. Last evaluated: 2019-12-27. Review status: criteria provided, single submitter. Criteria: Invitae Variant Classification Sherloc (09022015). Collection method: clinical testing. Allele origin: germline.
Comment: In summary, the available evidence is currently insufficient to determine the role of this variant in disease. Therefore, it has been classified as a Variant of Uncertain Significance. Algorithms developed to predict the effect of missense changes on protein structure and function are either unavailable or do not agree on the potential impact of this missense change (SIFT: "Tolerated"; PolyPhen-2: "Possibly Damaging"; Align-GVGD: "Class C0"). This variant has not been reported in the literature in individuals with CHRNA2-related conditions. This variant is not present in population databases (ExAC no frequency). This sequence change replaces lysine with asparagine at codon 180 of the CHRNA2 protein (p.Lys180Asn). The lysine residue is highly conserved and there is a moderate physicochemical difference between lysine and asparagine.

NM_000742.4(CHRNA2):c.540G>C (p.Lys180Asn)

Gene: CHRNA2 (cholinergic receptor nicotinic alpha 2 subunit; minus strand). Cytogenetic location: 8p21.2.
Variant type: single nucleotide variant.
Coding change: c.540G>C on transcript NM_000742.4 (MANE Select); coding-DNA position 540, G replaced by C.
Protein change: p.Lys180Asn; replaces lysine 180 with asparagine.
Molecular consequence: missense variant. On other transcripts: intron variant (2).
Genome position (GRCh38, 1-based): chr8:27,463,903, C>G on the plus strand (G>C on the coding strand, the complement: CHRNA2 is on the minus strand). VCF-style: chr8-27463903-C-G. GRCh37 (hg19) VCF-style: chr8-27321420-C-G.
Other names: c.495G>C, p.Lys165Asn (NM_001282455.2); c.63G>C, p.Lys21Asn (NM_001347705.2, NM_001347706.2); c.-12-43G>C (NM_001347708.2); c.-9-46G>C (NM_001347707.2); short protein forms K165N, K180N, K21N.
Identifiers: ClinVar variation 851910 (VCV000851910.6), dbSNP rs201551533, ClinGen allele CA174242744.